The following is an entry in ClinVar:

ClinVar aggregate classification (germline): Benign (0 of 4 stars; one submission).

Conditions:
OTUD7A-related disorder. Also called: OTUD7A-related condition.

Allele frequency attached by ClinVar (database versions not stated): ExAC 0.01866; gnomAD 0.05365; ESP Exome Variant Server 0.05591; TOPMed 0.06101; 1000 Genomes Project 0.06170; 1000 Genomes Project 30x 0.06777.
gnomAD v4.1: 15,810 of 1,594,894 alleles (0.99%); highest among the groups gnomAD compares: African/African-American, 19%; 1,348 homozygotes.

Submission:

PreventionGenetics, part of Exact Sciences
Classification: Benign for OTUD7A-related condition. Last evaluated: 2019-06-06. Review status: no assertion criteria provided. Collection method: clinical testing. Allele origin: germline.
Comment: This variant is classified as benign based on ACMG/AMP sequence variant interpretation guidelines (Richards et al. 2015 PMID: 25741868, with internal and published modifications).

NM_001382637.1(OTUD7A):c.1830G>A (p.Lys610=)

Gene: OTUD7A (OTU deubiquitinase 7A; minus strand). Cytogenetic location: 15q13.3.
Variant type: single nucleotide variant.
Coding change: c.1830G>A on transcript NM_001382637.1 (MANE Select); coding-DNA position 1830, G replaced by A.
Protein change: p.Lys610=; no amino-acid change (lysine 610 retained).
Molecular consequence: synonymous variant.
Genome position (GRCh38, 1-based): chr15:31,484,266, C>T on the plus strand (G>A on the coding strand, the complement: OTUD7A is on the minus strand). VCF-style: chr15-31484266-C-T. GRCh37 (hg19) VCF-style: chr15-31776469-C-T.
Other names: c.1809G>A, p.Lys603= (NM_130901.3).
Identifiers: ClinVar variation 3056918 (VCV003056918.2), dbSNP rs77376353, ClinGen allele CA7453466.